The following is an entry in ClinVar:

NM_173651.4(FSIP2):c.14681A>T (p.Lys4894Ile)

Gene: FSIP2 (fibrous sheath interacting protein 2; plus strand). Cytogenetic location: 2q32.1.
Variant type: single nucleotide variant.
Coding change: c.14681A>T on transcript NM_173651.4 (MANE Select); coding-DNA position 14681, A replaced by T.
Protein change: p.Lys4894Ile; replaces lysine 4894 with isoleucine.
Molecular consequence: missense variant.
Genome position (GRCh38, 1-based): chr2:185,803,987, A>T. VCF-style: chr2-185803987-A-T. GRCh37 (hg19) VCF-style: chr2-186668714-A-T.
Other names: short protein forms K4894I.
Identifiers: ClinVar variation 3059502 (VCV003059502.2), dbSNP rs17826419, ClinGen allele CA2017078.
Genomic context (GRCh38, chr2:185,803,987, plus strand): 5'-CAAATATATACCAGTCCATTACAAAAGATAAAAAGAGCATAAGTGACATACCTGTTTCAA[A>T]AATAGCGAGTTTTATAATAAAAGAAATCTTTAACCATCATATTCAATCATTTTTATCTGA-3'
Protein context (NP_775922.3, residues 4884-4904): KKSISDIPVS[Lys4894Ile]IASFIIKEIF

ClinVar aggregate classification (germline): Benign (0 of 4 stars; one submission).

Conditions:
FSIP2-related disorder. Also called: FSIP2-related condition.

Allele frequency attached by ClinVar (database versions not stated): 1000 Genomes Project 30x 0.02842; 1000 Genomes Project 0.02935; TOPMed 0.05406; ExAC 0.05723; gnomAD 0.06928; gnomAD exomes 0.09078.
gnomAD v4.1: 131,280 of 1,493,126 alleles (8.8%); highest among the groups gnomAD compares: Non-Finnish European, 10%; 6,959 homozygotes.

Submission:

PreventionGenetics, part of Exact Sciences
Classification: Benign for FSIP2-related condition. Last evaluated: 2019-03-29. Review status: no assertion criteria provided. Collection method: clinical testing. Allele origin: germline.
Comment: This variant is classified as benign based on ACMG/AMP sequence variant interpretation guidelines (Richards et al. 2015 PMID: 25741868, with internal and published modifications).